The following is an entry in ClinVar:

NM_001395413.1(POR):c.1115C>T (p.Thr372Ile)

Gene: POR (cytochrome p450 oxidoreductase; plus strand). Cytogenetic location: 7q11.23.
Variant type: single nucleotide variant.
Coding change: c.1115C>T on transcript NM_001395413.1 (MANE Select); coding-DNA position 1115, C replaced by T.
Protein change: p.Thr372Ile; replaces threonine 372 with isoleucine.
Molecular consequence: missense variant.
Genome position (GRCh38, 1-based): chr7:75,984,834, C>T. VCF-style: chr7-75984834-C-T. GRCh37 (hg19) VCF-style: chr7-75614152-C-T.
Other names: c.1124C>T (NM_000941.2); c.1115C>T, p.Thr372Ile (NM_001367562.3, NM_001382657.2, NM_001382658.3 and 2 more transcripts); c.1169C>T, p.Thr390Ile (NM_001382655.3); short protein forms T372I, T390I.
Identifiers: ClinVar variation 1513689 (VCV001513689.7), dbSNP rs782402961, ClinGen allele CA4303997.

ClinVar aggregate classification (germline): Uncertain significance. Review status: criteria provided, multiple submitters, no conflicts (2 of 4 stars). 3 submissions from 3 submitters: Uncertain significance (3). Last evaluated 2024-08-01.

Conditions:
Inborn genetic diseases. Identifiers: MedGen C0950123, MeSH D030342.
Congenital adrenal hyperplasia due to cytochrome P450 oxidoreductase deficiency. Also called: DISORDERED STEROIDOGENESIS DUE TO POR DEFICIENCY. Identifiers: Orphanet 95699, MedGen C1860042, MONDO:0013310, OMIM 613571.

Allele frequency attached by ClinVar (database versions not stated): ExAC 0.00001; gnomAD exomes 0.00001 and 0.00002; TOPMed 0.00004; gnomAD 0.00007 and 0.00008.
gnomAD v4.1: 21 of 1,612,568 alleles (0.0013%); highest among the groups gnomAD compares: African/African-American, 0.02%; no homozygotes.

Submissions (3):

Ambry Genetics
Classification: Uncertain significance for Inborn genetic diseases. Last evaluated: 2024-08-01. Review status: criteria provided, single submitter. Criteria: Ambry Variant Classification Scheme 2023. Collection method: clinical testing. Allele origin: germline.

Labcorp Genetics (formerly Invitae), Labcorp
Classification: Uncertain significance for Congenital adrenal hyperplasia due to cytochrome P450 oxidoreductase deficiency. Last evaluated: 2022-03-03. Review status: criteria provided, single submitter. Criteria: Invitae Variant Classification Sherloc (09022015). Collection method: clinical testing. Allele origin: germline.
Comment: This sequence change replaces threonine, which is neutral and polar, with isoleucine, which is neutral and non-polar, at codon 375 of the POR protein (p.Thr375Ile). This variant is present in population databases (rs782402961, gnomAD 0.02%). This variant has not been reported in the literature in individuals affected with POR-related conditions. Algorithms developed to predict the effect of missense changes on protein structure and function (SIFT, PolyPhen-2, Align-GVGD) all suggest that this variant is likely to be disruptive. In summary, the available evidence is currently insufficient to determine the role of this variant in disease. Therefore, it has been classified as a Variant of Uncertain Significance.

Blueprint Genetics
Classification: Uncertain significance. Last evaluated: 2019-08-26. Review status: criteria provided, single submitter. Criteria: ACMG Guidelines, 2015. Collection method: clinical testing. Allele origin: germline.